The following is an entry in ClinVar:

ClinVar aggregate classification (germline): Conflicting classifications of pathogenicity. Review status: criteria provided, conflicting classifications (1 of 4 stars). 2 submissions from 2 submitters: Uncertain significance (1); Benign (1). Last evaluated 2025-03-11.

Conditions:
BAP1-related tumor predisposition syndrome (TPDS1). Also called: BAP1 tumor predisposition syndrome; Tumor susceptibility linked to germline BAP1 mutations; TUMOR PREDISPOSITION SYNDROME 1; COMMON Syndrome. Identifiers: Orphanet 289539, MedGen C3280492, MONDO:0013692, OMIM 614327.
Hereditary cancer-predisposing syndrome. Also called: Neoplastic Syndromes, Hereditary; Tumor predisposition; Hereditary neoplastic syndrome; Hereditary Cancer Syndrome. Identifiers: Orphanet 140162, MedGen C0027672, MeSH D009386, MONDO:0015356.

Submissions (2):

Ambry Genetics
Classification: Benign for Hereditary cancer-predisposing syndrome. Last evaluated: 2025-03-11. Review status: criteria provided, single submitter. Criteria: Ambry Variant Classification Scheme 2023. Collection method: clinical testing. Allele origin: germline.

Labcorp Genetics (formerly Invitae), Labcorp
Classification: Uncertain significance for BAP1-related tumor predisposition syndrome. Last evaluated: 2024-11-27. Review status: criteria provided, single submitter. Criteria: Invitae Variant Classification Sherloc (09022015). Collection method: clinical testing. Allele origin: germline.
Comment: This sequence change replaces asparagine, which is neutral and polar, with lysine, which is basic and polar, at codon 2 of the BAP1 protein (p.Asn2Lys). This variant is not present in population databases (gnomAD no frequency). This variant has not been reported in the literature in individuals affected with BAP1-related conditions. ClinVar contains an entry for this variant (Variation ID: 2450430). An algorithm developed to predict the effect of missense changes on protein structure and function (PolyPhen-2) suggests that this variant is likely to be disruptive. In summary, the available evidence is currently insufficient to determine the role of this variant in disease. Therefore, it has been classified as a Variant of Uncertain Significance.

Literature cited by the submitters: PubMed 38969833 (cited by Ambry Genetics).

NM_004656.4(BAP1):c.6T>A (p.Asn2Lys)

Gene: BAP1 (BRCA1 associated deubiquitinase 1; minus strand). Cytogenetic location: 3p21.1.
Variant type: single nucleotide variant.
Coding change: c.6T>A on transcript NM_004656.4 (MANE Select); coding-DNA position 6, T replaced by A.
Protein change: p.Asn2Lys; replaces asparagine 2 with lysine.
Molecular consequence: missense variant.
Genome position (GRCh38, 1-based): chr3:52,409,873, A>T on the plus strand (T>A on the coding strand, the complement: BAP1 is on the minus strand). VCF-style: chr3-52409873-A-T. GRCh37 (hg19) VCF-style: chr3-52443889-A-T.
Other names: c.6T>A, p.Asn2Lys (NM_001410772.1); short protein forms N2K.
Identifiers: ClinVar variation 2450430 (VCV002450430.5), dbSNP rs753081347, ClinGen allele CA353115168.